The following is an entry in ClinVar:

NM_015057.5(MYCBP2):c.5054C>T (p.Ser1685Phe)

Gene: MYCBP2 (MYC binding protein 2; minus strand). Cytogenetic location: 13q22.3.
Variant type: single nucleotide variant.
Coding change: c.5054C>T on transcript NM_015057.5 (MANE Select); coding-DNA position 5054, C replaced by T.
Protein change: p.Ser1685Phe; replaces serine 1685 with phenylalanine.
Molecular consequence: missense variant.
Genome position (GRCh38, 1-based): chr13:77,180,206, G>A on the plus strand (C>T on the coding strand, the complement: MYCBP2 is on the minus strand). VCF-style: chr13-77180206-G-A. GRCh37 (hg19) VCF-style: chr13-77754341-G-A.
Other names: short protein forms S1685F.
Identifiers: ClinVar variation 3391791 (VCV003391791.1).

ClinVar aggregate classification (germline): Uncertain significance (1 of 4 stars; one submission).

gnomAD v4.1: 2 of 1,614,110 alleles (0.00012%); highest among the groups gnomAD compares: South Asian, 0.0011%; no homozygotes.

Submission:

GeneDx
Classification: Uncertain significance. Last evaluated: 2024-06-22. Review status: criteria provided, single submitter. Criteria: GeneDx Variant Classification Process June 2021. Collection method: clinical testing. Allele origin: germline. Affected: yes.
Comment: In silico analysis supports that this missense variant has a deleterious effect on protein structure/function; Has not been previously published as pathogenic or benign to our knowledge